The following is an entry in ClinVar:

NM_006206.6(PDGFRA):c.1748A>G (p.Asp583Gly)

Gene: PDGFRA (platelet derived growth factor receptor alpha; plus strand). Cytogenetic location: 4q12.
Variant type: single nucleotide variant.
Coding change: c.1748A>G on transcript NM_006206.6 (MANE Select); coding-DNA position 1748, A replaced by G.
Protein change: p.Asp583Gly; replaces aspartic acid 583 with glycine.
Molecular consequence: missense variant.
Genome position (GRCh38, 1-based): chr4:54,274,935, A>G. VCF-style: chr4-54274935-A-G. GRCh37 (hg19) VCF-style: chr4-55141102-A-G.
Other names: c.1748A>G, p.Asp583Gly (NM_001347827.2, NM_001347829.2); c.1823A>G, p.Asp608Gly (NM_001347828.2); c.1787A>G, p.Asp596Gly (NM_001347830.2); short protein forms D596G, D583G, D608G.
Identifiers: ClinVar variation 2754557 (VCV002754557.4), dbSNP rs2110300415, ClinGen allele CA356893226.
Genomic context (GRCh38, chr4:54,274,935, plus strand): 5'-AATCAATCAGCCCAGATGGACATGAATATATTTATGTGGACCCGATGCAGCTGCCTTATG[A>G]CTCAAGATGGGAGTTTCCAAGAGATGGACTAGTGCTTGGTAAGTTCCATGGGGTAACCTC-3'
Protein context (NP_006197.1, residues 573-593): IYVDPMQLPY[Asp583Gly]SRWEFPRDGL

ClinVar aggregate classification (germline): Uncertain significance. Review status: criteria provided, multiple submitters, no conflicts (2 of 4 stars). 2 submissions from 2 submitters: Uncertain significance (2). Last evaluated 2024-11-20.

Conditions:
Hereditary cancer-predisposing syndrome. Also called: Neoplastic Syndromes, Hereditary; Tumor predisposition; Hereditary Cancer Syndrome; Hereditary neoplastic syndrome. Identifiers: Orphanet 140162, MedGen C0027672, MeSH D009386, MONDO:0015356.
Gastrointestinal stromal tumor. Also called: Gastrointestinal stromal tumor, somatic; Gastrointestinal stroma tumor. Identifiers: Orphanet 44890, MedGen C0238198, MeSH D046152, MONDO:0011719, OMIM 606764, HP:0100723.

Submissions (2):

Ambry Genetics
Classification: Uncertain significance for Hereditary cancer-predisposing syndrome. Last evaluated: 2024-11-20. Review status: criteria provided, single submitter. Criteria: Ambry Variant Classification Scheme 2023. Collection method: clinical testing. Allele origin: germline.
Comment: The p.D583G variant (also known as c.1748A>G), located in coding exon 11 of the PDGFRA gene, results from an A to G substitution at nucleotide position 1748. The aspartic acid at codon 583 is replaced by glycine, an amino acid with similar properties. This amino acid position is highly conserved in available vertebrate species. In addition, this alteration is predicted to be deleterious by in silico analysis. Based on the available evidence, the clinical significance of this variant remains unclear.

Labcorp Genetics (formerly Invitae), Labcorp
Classification: Uncertain significance for Gastrointestinal stromal tumor. Last evaluated: 2023-08-28. Review status: criteria provided, single submitter. Criteria: Invitae Variant Classification Sherloc (09022015). Collection method: clinical testing. Allele origin: germline.
Comment: In summary, the available evidence is currently insufficient to determine the role of this variant in disease. Therefore, it has been classified as a Variant of Uncertain Significance. Advanced modeling of protein sequence and biophysical properties (such as structural, functional, and spatial information, amino acid conservation, physicochemical variation, residue mobility, and thermodynamic stability) has been performed at Invitae for this missense variant, however the output from this modeling did not meet the statistical confidence thresholds required to predict the impact of this variant on PDGFRA protein function. This variant has not been reported in the literature in individuals affected with PDGFRA-related conditions. This variant is not present in population databases (gnomAD no frequency). This sequence change replaces aspartic acid, which is acidic and polar, with glycine, which is neutral and non-polar, at codon 583 of the PDGFRA protein (p.Asp583Gly).

Literature cited by the submitters: PubMed 37120571 (cited by Ambry Genetics).